The following is an entry in ClinVar:

NM_001013838.3(CARMIL2):c.3916G>A (p.Gly1306Ser)

Gene: CARMIL2 (capping protein regulator and myosin 1 linker 2; plus strand). Cytogenetic location: 16q22.1.
Variant type: single nucleotide variant.
Coding change: c.3916G>A on transcript NM_001013838.3 (MANE Select); coding-DNA position 3916, G replaced by A.
Protein change: p.Gly1306Ser; replaces glycine 1306 with serine.
Molecular consequence: missense variant.
Genome position (GRCh38, 1-based): chr16:67,656,525, G>A. VCF-style: chr16-67656525-G-A. GRCh37 (hg19) VCF-style: chr16-67690428-G-A.
Other names: c.3808G>A, p.Gly1270Ser (NM_001317026.3); short protein forms G1270S, G1306S.
Identifiers: ClinVar variation 1518606 (VCV001518606.6), dbSNP rs2142958206, ClinGen allele CA396348226.

ClinVar aggregate classification (germline): Uncertain significance (1 of 4 stars; one submission).

Allele frequency attached by ClinVar (database versions not stated): gnomAD exomes below 0.00001.
gnomAD v4.1: 4 of 1,613,562 alleles (0.00025%); highest among the groups gnomAD compares: Non-Finnish European, 0.00034%; no homozygotes.

Submission:

Labcorp Genetics (formerly Invitae), Labcorp
Classification: Uncertain significance. Last evaluated: 2022-07-11. Review status: criteria provided, single submitter. Criteria: Invitae Variant Classification Sherloc (09022015). Collection method: clinical testing. Allele origin: germline.
Comment: In summary, the available evidence is currently insufficient to determine the role of this variant in disease. Therefore, it has been classified as a Variant of Uncertain Significance. Algorithms developed to predict the effect of missense changes on protein structure and function are either unavailable or do not agree on the potential impact of this missense change (SIFT: "Deleterious"; PolyPhen-2: "Probably Damaging"; Align-GVGD: "Class C0"). ClinVar contains an entry for this variant (Variation ID: 1518606). This variant has not been reported in the literature in individuals affected with CARMIL2-related conditions. This variant is not present in population databases (gnomAD no frequency). This sequence change replaces glycine, which is neutral and non-polar, with serine, which is neutral and polar, at codon 1306 of the CARMIL2 protein (p.Gly1306Ser).